The following is an entry in ClinVar:

ClinVar aggregate classification (germline): Likely pathogenic (1 of 4 stars; one submission).

Conditions:
Joubert syndrome. Also called: CEREBELLOPARENCHYMAL DISORDER IV; JOUBERT-BOLTSHAUSER SYNDROME; Familial aplasia of the vermis. Identifiers: Orphanet 475, MedGen C5979921, MONDO:0018772.
Meckel-Gruber syndrome. Also called: DYSENCEPHALIA SPLANCHNOCYSTICA; GRUBER SYNDROME; Dysencephalia splachnocystica. Identifiers: Orphanet 564, MedGen C0265215, MONDO:0018921.

Submission:

Labcorp Genetics (formerly Invitae), Labcorp
Classification: Likely pathogenic for Joubert syndrome; Meckel-Gruber syndrome. Last evaluated: 2023-05-02. Review status: criteria provided, single submitter. Criteria: Invitae Variant Classification Sherloc (09022015). Collection method: clinical testing. Allele origin: germline.
Comment: This sequence change affects a donor splice site in intron 23 of the RPGRIP1L gene. It is expected to disrupt RNA splicing. Variants that disrupt the donor or acceptor splice site typically lead to a loss of protein function (PMID: 16199547), and loss-of-function variants in RPGRIP1L are known to be pathogenic (PMID: 17558409). This variant is not present in population databases (gnomAD no frequency). This variant has not been reported in the literature in individuals affected with RPGRIP1L-related conditions. Algorithms developed to predict the effect of sequence changes on RNA splicing suggest that this variant may disrupt the consensus splice site. In summary, the currently available evidence indicates that the variant is pathogenic, but additional data are needed to prove that conclusively. Therefore, this variant has been classified as Likely Pathogenic.

Literature cited by the submitters: PubMed 16199547; PubMed 17558409.

NM_015272.5(RPGRIP1L):c.3432+1G>T

Gene: RPGRIP1L (RPGRIP1 like; minus strand). Cytogenetic location: 16q12.2.
Variant type: single nucleotide variant.
Coding change: c.3432+1G>T on transcript NM_015272.5 (MANE Select); the canonical splice donor site of the intron after coding-DNA position 3432, G replaced by T.
Molecular consequence: splice donor variant. On other transcripts: intron variant (2).
Genome position (GRCh38, 1-based): chr16:53,622,218, C>A on the plus strand (G>T on the coding strand, the complement: RPGRIP1L is on the minus strand). VCF-style: chr16-53622218-C-A. GRCh37 (hg19) VCF-style: chr16-53656130-C-A.
Other names: c.3193-3010G>T (NM_001127897.4); c.3330+1G>T (NM_001330538.2); c.3295-3010G>T (NM_001308334.3).
Identifiers: ClinVar variation 2939043 (VCV002939043.3), dbSNP rs2150974573, ClinGen allele CA395923927.